The following is an entry in ClinVar:

ClinVar aggregate classification (germline): Uncertain significance (1 of 4 stars; one submission).

Submission:

CeGaT Center for Human Genetics Tuebingen
Classification: Uncertain significance. Last evaluated: 2026-04-01. Review status: criteria provided, single submitter. Criteria: CeGaT Center For Human Genetics Tuebingen Variant Classification Criteria Version 2. Collection method: clinical testing. Allele origin: germline. Affected: yes. Observed: 1 variant allele.
Comment: TTN: PM2, BP4

NM_001267550.2(TTN):c.52424A>T (p.Asp17475Val)

Genes: TTN (titin; minus strand), TTN-AS1 (TTN antisense RNA 1; plus strand). Cytogenetic location: 2q31.2.
Variant type: single nucleotide variant.
Coding change: c.52424A>T on transcript NM_001267550.2 (MANE Select); coding-DNA position 52424, A replaced by T.
Protein change: p.Asp17475Val; replaces aspartic acid 17475 with valine.
Molecular consequence: missense variant.
Genome position (GRCh38, 1-based): chr2:178,608,459, T>A on the plus strand (A>T on the coding strand, the complement: TTN is on the minus strand). VCF-style: chr2-178608459-T-A. GRCh37 (hg19) VCF-style: chr2-179473186-T-A.
Other names: c.47501A>T, p.Asp15834Val (NM_001256850.1); c.25229A>T, p.Asp8410Val (NM_003319.4); c.44720A>T, p.Asp14907Val (NM_133378.4); c.25604A>T, p.Asp8535Val (NM_133432.3); c.25805A>T, p.Asp8602Val (NM_133437.4); short protein forms D14907V, D15834V, D17475V, D8410V, D8535V, D8602V.
Identifiers: ClinVar variation 4873637 (VCV004873637.2).